The following is an entry in ClinVar:

ClinVar aggregate classification (germline): Uncertain significance (1 of 4 stars; one submission).

Conditions:
SYK-related disorder. Also called: SYK-related condition.

Submission:

PreventionGenetics, part of Exact Sciences
Classification: Uncertain significance for SYK-related condition. Last evaluated: 2026-06-29. Review status: criteria provided, single submitter. Criteria: ACMG Guidelines, 2015. Collection method: clinical testing. Allele origin: germline.
Comment: The SYK c.1195G>A variant is predicted to result in the amino acid substitution p.Val399Met. To our knowledge, this variant has not been reported in the literature or in a large population database (gnomAD), indicating this variant is rare. At this time, the clinical significance of this variant is uncertain due to the absence of conclusive functional and genetic evidence.

NM_003177.7(SYK):c.1195G>A (p.Val399Met)

Gene: SYK (spleen associated tyrosine kinase; plus strand). Cytogenetic location: 9q22.2.
Variant type: single nucleotide variant.
Coding change: c.1195G>A on transcript NM_003177.7 (MANE Select); coding-DNA position 1195, G replaced by A.
Protein change: p.Val399Met; replaces valine 399 with methionine.
Molecular consequence: missense variant.
Genome position (GRCh38, 1-based): chr9:90,877,584, G>A. VCF-style: chr9-90877584-G-A. GRCh37 (hg19) VCF-style: chr9-93639866-G-A.
Other names: c.1126G>A, p.Val376Met (NM_001135052.4, NM_001174168.3); c.1195G>A, p.Val399Met (NM_001174167.3); short protein forms V376M, V399M.
Identifiers: ClinVar variation 4993083 (VCV004993083.1).